The following is an entry in ClinVar:

ClinVar aggregate classification (germline): Pathogenic. Review status: criteria provided, multiple submitters, no conflicts (2 of 4 stars). 2 submissions from 2 submitters: Pathogenic (2). Last evaluated 2022-07-22.

Conditions:
Hereditary cancer-predisposing syndrome. Also called: Neoplastic Syndromes, Hereditary; Tumor predisposition; Hereditary Cancer Syndrome; Hereditary neoplastic syndrome. Identifiers: Orphanet 140162, MedGen C0027672, MeSH D009386, MONDO:0015356.
Fanconi anemia (FA). Also called: Fanconi's anemia. Identifiers: Orphanet 84, MedGen C0015625, MeSH D005199, MONDO:0019391.

Submissions (2):

Labcorp Genetics (formerly Invitae), Labcorp
Classification: Pathogenic for Fanconi anemia. Last evaluated: 2022-07-22. Review status: criteria provided, single submitter. Criteria: Invitae Variant Classification Sherloc (09022015). Collection method: clinical testing. Allele origin: germline.
Comment: This variant has not been reported in the literature in individuals affected with FANCC-related conditions. This variant is not present in population databases (gnomAD no frequency). This sequence change creates a premature translational stop signal (p.Gln216*) in the FANCC gene. It is expected to result in an absent or disrupted protein product. Loss-of-function variants in FANCC are known to be pathogenic (PMID: 17924555). Algorithms developed to predict the effect of sequence changes on RNA splicing suggest that this variant may disrupt the consensus splice site. For these reasons, this variant has been classified as Pathogenic.

Ambry Genetics
Classification: Pathogenic for Hereditary cancer-predisposing syndrome. Last evaluated: 2021-03-01. Review status: criteria provided, single submitter. Criteria: Ambry Variant Classification Scheme 2023. Collection method: clinical testing. Allele origin: germline.
Comment: The p.Q216* pathogenic mutation (also known as c.646C>T), located in coding exon 6 of the FANCC gene, results from a C to T substitution at nucleotide position 646. This changes the amino acid from a glutamine to a stop codon within coding exon 6. This alteration is expected to result in loss of function by premature protein truncation or nonsense-mediated mRNA decay. As such, this alteration is interpreted as a disease-causing mutation.

Literature cited by the submitters: PubMed 17924555 (cited by Labcorp Genetics (formerly Invitae), Labcorp).

NM_000136.3(FANCC):c.646C>T (p.Gln216Ter)

Genes: AOPEP (aminopeptidase O (putative); plus strand), FANCC (FA complementation group C; minus strand). Cytogenetic location: 9q22.32.
Variant type: single nucleotide variant.
Coding change: c.646C>T on transcript NM_000136.3 (MANE Select); coding-DNA position 646, C replaced by T.
Protein change: p.Gln216Ter; replaces glutamine 216 with a stop codon.
Molecular consequence: nonsense.
Genome position (GRCh38, 1-based): chr9:95,149,963, G>A on the plus strand (C>T on the coding strand, the complement: FANCC is on the minus strand). VCF-style: chr9-95149963-G-A. GRCh37 (hg19) VCF-style: chr9-97912245-G-A.
Other names: c.646C>T, p.Gln216Ter (NM_001243743.2, NM_001243744.2); short protein forms Q216*.
Identifiers: ClinVar variation 1753699 (VCV001753699.7), dbSNP rs2135426817, ClinGen allele CA374109595.